The following is an entry in ClinVar:

ClinVar aggregate classification (germline): Uncertain significance. Review status: criteria provided, multiple submitters, no conflicts (2 of 4 stars). 2 submissions from 2 submitters: Uncertain significance (2). Last evaluated 2025-07-21.

Conditions:
Genitopatellar syndrome (GTPTS). Also called: ABSENT PATELLAE, SCROTAL HYPOPLASIA, RENAL ANOMALIES, FACIAL DYSMORPHISM, AND MENTAL RETARDATION; Genitopatellar syndrome (GPS). Identifiers: Orphanet 85201, MedGen C1853566, MONDO:0011640, OMIM 606170.
Blepharophimosis - intellectual disability syndrome, SBBYS type (SBBYSS). Also called: Say-Barber-Biesecker-Young-Simpson variant of Ohdo Syndrome; Say-Barber-Biesecker Variant of Ohdo Syndrome; Ohdo syndrome, SBBYS variant; SBBYSS syndrome; Say-Barber-Biesecker-Young-Simpson syndrome; Young Simpson syndrome. Identifiers: Orphanet 3047, MedGen C1863557, MONDO:0011365, OMIM 603736.

Allele frequency attached by ClinVar (database versions not stated): gnomAD 0.00001; gnomAD exomes 0.00001; ExAC 0.00002; TOPMed 0.00002.
gnomAD v4.1: 19 of 1,614,078 alleles (0.0012%); highest among the groups gnomAD compares: Middle Eastern, 0.016%; no homozygotes.

Submissions (2):

Labcorp Genetics (formerly Invitae), Labcorp
Classification: Uncertain significance for Genitopatellar syndrome. Last evaluated: 2025-07-21. Review status: criteria provided, single submitter. Criteria: Invitae Variant Classification Sherloc (09022015). Collection method: clinical testing. Allele origin: germline.
Comment: This sequence change replaces arginine, which is basic and polar, with histidine, which is basic and polar, at codon 899 of the KAT6B protein (p.Arg899His). This variant is present in population databases (rs761702778, gnomAD 0.007%). This missense change has been observed in individual(s) with neurodevelopmental disorder (PMID: 33004838). ClinVar contains an entry for this variant (Variation ID: 2099227). Invitae Evidence Modeling of protein sequence and biophysical properties (such as structural, functional, and spatial information, amino acid conservation, physicochemical variation, residue mobility, and thermodynamic stability) has been performed for this missense variant. However, the output from this modeling did not meet the statistical confidence thresholds required to predict the impact of this variant on KAT6B protein function. In summary, the available evidence is currently insufficient to determine the role of this variant in disease. Therefore, it has been classified as a Variant of Uncertain Significance.

Fulgent Genetics
Classification: Uncertain significance for Blepharophimosis - intellectual disability syndrome, SBBYS type; Genitopatellar syndrome. Last evaluated: 2024-04-02. Review status: criteria provided, single submitter. Criteria: ACMG Guidelines, 2015. Collection method: clinical testing. Allele origin: germline.

Literature cited by the submitters: PubMed 33004838 (cited by Labcorp Genetics (formerly Invitae), Labcorp).

NM_012330.4(KAT6B):c.2696G>A (p.Arg899His)

Gene: KAT6B (lysine acetyltransferase 6B; plus strand). Cytogenetic location: 10q22.2.
Variant type: single nucleotide variant.
Coding change: c.2696G>A on transcript NM_012330.4 (MANE Select); coding-DNA position 2696, G replaced by A.
Protein change: p.Arg899His; replaces arginine 899 with histidine.
Molecular consequence: missense variant.
Genome position (GRCh38, 1-based): chr10:75,020,648, G>A. VCF-style: chr10-75020648-G-A. GRCh37 (hg19) VCF-style: chr10-76780406-G-A.
Other names: c.2147G>A, p.Arg716His (NM_001256468.2, NM_001370138.1); c.1820G>A, p.Arg607His (NM_001256469.2, NM_001370139.1, NM_001370140.1 and 2 more transcripts); c.1658G>A, p.Arg553His (NM_001370132.1); c.1007G>A, p.Arg336His (NM_001370133.1); c.611G>A, p.Arg204His (NM_001370134.1); c.353G>A, p.Arg118His (NM_001370135.1); c.2696G>A, p.Arg899His (NM_001370136.1, NM_001370137.1); c.1631G>A, p.Arg544His (NM_001370143.1, NM_001370144.1); short protein forms R544H, R336H, R553H, R899H, R118H, R204H, R607H, R716H.
Identifiers: ClinVar variation 2099227 (VCV002099227.5), dbSNP rs761702778, ClinGen allele CA5564642.